The following is an entry in ClinVar:

NM_005908.4(MANBA):c.2072del (p.Leu691fs)

Gene: MANBA (mannosidase beta; minus strand). Cytogenetic location: 4q24.
Variant type: Deletion.
Coding change: c.2072del on transcript NM_005908.4 (MANE Select); coding-DNA position 2072, one base deleted (T; older notation c.2072delT).
Protein change: p.Leu691fs; shifts the reading frame from leucine 691.
Molecular consequence: frameshift variant.
Genome position (GRCh38, 1-based): chr4:102,635,950, A deleted on the plus strand (T on the coding strand, the reverse complement: MANBA is on the minus strand). VCF-style (leftmost placement, unchanged base first): chr4-102635949-CA-C. GRCh37 (hg19) VCF-style: chr4-103557106-CA-C.
Other names: short protein forms L691fs.
Identifiers: ClinVar variation 2868329 (VCV002868329.3), dbSNP rs774701514, ClinGen allele CA3026719.
Genomic context (GRCh38, chr4:102,635,949, plus strand): 5'-GTGAAGATCTGACACACCATAGATATAGAACGTGTTTTCATTCTCAAAGCCTACTGGCAA[CA>C]GTGGAGCAAAGAAATTCTGAGCAAAGTAATGAAGCATTTTCCACTTTCCTCCGTACTCTG-3'

ClinVar aggregate classification (germline): Pathogenic (1 of 4 stars; one submission).

Conditions:
Beta-D-mannosidosis (MANSB). Also called: MANNOSIDOSIS, BETA A, LYSOSOMAL; BETA-MANNOSIDASE DEFICIENCY; LYSOSOMAL BETA-MANNOSIDASE DEFICIENCY; Beta-Mannosidosis. Identifiers: Orphanet 118, MedGen C4048196, MONDO:0009562, OMIM 248510.

Allele frequency attached by ClinVar (database versions not stated): TOPMed below 0.00001; ExAC 0.00001; gnomAD exomes 0.00001.

Submission:

Labcorp Genetics (formerly Invitae), Labcorp
Classification: Pathogenic for Beta-D-mannosidosis. Last evaluated: 2023-12-03. Review status: criteria provided, single submitter. Criteria: Invitae Variant Classification Sherloc (09022015). Collection method: clinical testing. Allele origin: germline.
Comment: This sequence change creates a premature translational stop signal (p.Leu691Argfs*4) in the MANBA gene. It is expected to result in an absent or disrupted protein product. Loss-of-function variants in MANBA are known to be pathogenic (PMID: 9384606, 12468273). This variant is present in population databases (rs774701514, gnomAD 0.0009%). This variant has not been reported in the literature in individuals affected with MANBA-related conditions. For these reasons, this variant has been classified as Pathogenic.

Literature cited by the submitters: PubMed 9384606; PubMed 12468273.